The following is an entry in ClinVar:

ClinVar aggregate classification (germline): Likely pathogenic (1 of 4 stars; one submission).

Conditions:
Hereditary cancer-predisposing syndrome. Also called: Tumor predisposition; Neoplastic Syndromes, Hereditary; Hereditary neoplastic syndrome; Hereditary Cancer Syndrome. Identifiers: Orphanet 140162, MedGen C0027672, MeSH D009386, MONDO:0015356.

Submission:

Ambry Genetics
Classification: Likely pathogenic for Hereditary cancer-predisposing syndrome. Last evaluated: 2024-06-25. Review status: criteria provided, single submitter. Criteria: Ambry Variant Classification Scheme 2023. Collection method: clinical testing. Allele origin: germline.
Comment: The c.5902_5903insALU likely pathogenic variant results from the insertion of an Alu element between nucleotides 5902 and 5903 in coding exon 38 of the ATM gene. Mobile element insertions contribute to pathogenicity by either disrupting the coding sequence or inducing aberrant splicing (Belancio VP et al. Semin. Cancer Biol. 2010 Aug;20:200-10; Deininger P et al. Genome Biol. 2011 Dec;12:236; van der Klift HM. Hum Mutat. 2012 Jul;33(7):1051-5). Based on the majority of available evidence to date, this variant is likely to be pathogenic.

NM_000051.3:c.5902_5903insALU

Gene: ATM (ATM serine/threonine kinase; plus strand).
Variant type: Insertion.
Identifiers: ClinVar variation 3449710 (VCV003449710.1).